The following is an entry in ClinVar:

NM_015158.5(KANK1):c.140A>G (p.Lys47Arg)

Gene: KANK1 (KN motif and ankyrin repeat domains 1; plus strand). Cytogenetic location: 9p24.3.
Variant type: single nucleotide variant.
Coding change: c.140A>G on transcript NM_015158.5 (MANE Select); coding-DNA position 140, A replaced by G.
Protein change: p.Lys47Arg; replaces lysine 47 with arginine.
Molecular consequence: missense variant. On other transcripts: 5 prime UTR variant (12), non-coding transcript variant (1).
Genome position (GRCh38, 1-based): chr9:710,906, A>G. VCF-style: chr9-710906-A-G. GRCh37 (hg19) VCF-style: chr9-710906-A-G.
Other names: c.140A>G, p.Lys47Arg (NM_001256876.3, NM_001256877.3, NM_001354331.2 and 2 more transcripts); c.-335A>G (NM_001354333.2, NM_001354335.2, NM_001354336.2 and 9 more transcripts); short protein forms K47R.
Identifiers: ClinVar variation 3005425 (VCV003005425.3), dbSNP rs746798023, ClinGen allele CA4959853.

ClinVar aggregate classification (germline): Uncertain significance (1 of 4 stars; one submission).

Allele frequency attached by ClinVar (database versions not stated): ExAC 0.00001; TOPMed 0.00002.
gnomAD v4.1: 32 of 1,614,182 alleles (0.002%); highest among the groups gnomAD compares: Middle Eastern, 0.033%; no homozygotes.

Submission:

Labcorp Genetics (formerly Invitae), Labcorp
Classification: Uncertain significance. Last evaluated: 2023-03-22. Review status: criteria provided, single submitter. Criteria: Invitae Variant Classification Sherloc (09022015). Collection method: clinical testing. Allele origin: germline.
Comment: This sequence change replaces lysine, which is basic and polar, with arginine, which is basic and polar, at codon 47 of the KANK1 protein (p.Lys47Arg). This variant is present in population databases (rs746798023, gnomAD 0.002%). This variant has not been reported in the literature in individuals affected with KANK1-related conditions. An algorithm developed to predict the effect of missense changes on protein structure and function (PolyPhen-2) suggests that this variant is likely to be disruptive. In summary, the available evidence is currently insufficient to determine the role of this variant in disease. Therefore, it has been classified as a Variant of Uncertain Significance.